The following is an entry in ClinVar:

NM_181507.2(HPS5):c.1862+2dup

Gene: HPS5 (HPS5 biogenesis of lysosomal organelles complex 2 subunit 2; minus strand). Cytogenetic location: 11p15.1.
Variant type: Duplication.
Coding change: c.1862+2dup on transcript NM_181507.2 (MANE Select); the canonical splice donor site of the intron after coding-DNA position 1862, one base duplicated (T; older notation c.1862+2dupT).
Molecular consequence: splice donor variant.
Genome position (GRCh38, 1-based): chr11:18,292,897, A duplicated on the plus strand (T on the coding strand, the reverse complement: HPS5 is on the minus strand). VCF-style (leftmost placement, unchanged base first): chr11-18292896-C-CA. GRCh37 (hg19) VCF-style: chr11-18314443-C-CA.
Other names: c.1448+2dup (NM_001440929.1, NM_001440928.1, NM_001440927.1); c.1520+2dup (NM_181508.2, NM_001440921.1, NM_001440926.1 and 7 more transcripts); c.1751+2dup (NM_001440915.1, NM_001440914.1, NM_001440913.1); c.1862+2dup (NM_001440931.1, NM_001440917.1, NM_001440906.1 and 5 more transcripts); c.1787+2dup (NM_001440907.1, NM_001440909.1, NM_001440908.1); c.1649+2dup (NM_001440919.1); c.1676+2dup (NM_001440918.1); c.1862+2dupT (NM_181507.2).
Identifiers: ClinVar variation 1363854 (VCV001363854.7), dbSNP rs780753639, ClinGen allele CA5909983.

ClinVar aggregate classification (germline): Uncertain significance. Review status: criteria provided, multiple submitters, no conflicts (2 of 4 stars). 2 submissions from 2 submitters: Uncertain significance (2). Last evaluated 2025-07-10.

Allele frequency attached by ClinVar (database versions not stated): gnomAD exomes below 0.00001 and 0.00001; ExAC 0.00002.

Submissions (2):

Women's Health and Genetics/Laboratory Corporation of America, LabCorp
Classification: Uncertain significance. Last evaluated: 2025-07-10. Review status: criteria provided, single submitter. Criteria: LabCorp Variant Classification Summary - May 2015. Collection method: clinical testing. Allele origin: germline.
Comment: Variant summary: HPS5 c.1862+2dupT alters a conserved nucleotide located close to a canonical splice site and therefore could affect mRNA splicing, leading to a significantly altered protein sequence. Several computational tools predict a significant impact on normal splicing: Four predict the variant abolishes a canonical 5' splicing donor site. However, these predictions have yet to be confirmed by functional studies. The variant allele was found at a frequency of 8e-06 in 251462 control chromosomes (gnomAD). The available data on variant occurrences in the general population are insufficient to allow any conclusion about variant significance. To our knowledge, no occurrence of c.1862+2dupT in individuals affected with Hermansky-Pudlak Syndrome and no experimental evidence demonstrating its impact on protein function have been reported. ClinVar contains an entry for this variant (Variation ID: 1363854). Based on the evidence outlined above, the variant was classified as uncertain significance.

Labcorp Genetics (formerly Invitae), Labcorp
Classification: Uncertain significance. Last evaluated: 2023-07-17. Review status: criteria provided, single submitter. Criteria: Invitae Variant Classification Sherloc (09022015). Collection method: clinical testing. Allele origin: germline.
Comment: This sequence change falls in intron 15 of the HPS5 gene. It does not directly change the encoded amino acid sequence of the HPS5 protein. It affects a nucleotide within the consensus splice site. This variant is present in population databases (rs780753639, gnomAD 0.002%). This variant has not been reported in the literature in individuals affected with HPS5-related conditions. ClinVar contains an entry for this variant (Variation ID: 1363854). Variants that disrupt the consensus splice site are a relatively common cause of aberrant splicing (PMID: 17576681, 9536098). Algorithms developed to predict the effect of sequence changes on RNA splicing suggest that this variant may disrupt the consensus splice site. In summary, the available evidence is currently insufficient to determine the role of this variant in disease. Therefore, it has been classified as a Variant of Uncertain Significance.

Literature cited by the submitters: PubMed 17576681 (cited by Labcorp Genetics (formerly Invitae), Labcorp); PubMed 9536098 (cited by Labcorp Genetics (formerly Invitae), Labcorp).